The following is an entry in ClinVar:

ClinVar aggregate classification (germline): Benign/Likely benign. Review status: criteria provided, multiple submitters, no conflicts (2 of 4 stars). 2 submissions from 2 submitters: Benign (1); Likely benign (1). Last evaluated 2024-08-22.

Conditions:
Familial cancer of breast. Also called: Hereditary breast cancer; BREAST CANCER, FAMILIAL; hereditary breast carcinoma. Identifiers: Orphanet 227535, MedGen C0346153, MONDO:0016419, OMIM 114480. Disease mechanism: loss of function.
Fanconi anemia complementation group J. Also called: BRIP1-Related Fanconi Anemia. Identifiers: Orphanet 84, MedGen C1836860, MONDO:0012187, OMIM 609054.

Submissions (2):

Myriad Genetics, Inc.
Classification: Benign for Familial cancer of breast. Last evaluated: 2024-08-22. Review status: criteria provided, single submitter. Criteria: Myriad Autosomal Dominant, Autosomal Recessive and X-Linked Classification Criteria (2023). Collection method: clinical testing. Allele origin: unknown.
Comment: This variant is considered benign. This variant is a silent/synonymous amino acid change and it is not expected to impact splicing.

Labcorp Genetics (formerly Invitae), Labcorp
Classification: Likely benign for Familial cancer of breast; Fanconi anemia complementation group J. Last evaluated: 2022-03-02. Review status: criteria provided, single submitter. Criteria: Invitae Variant Classification Sherloc (09022015). Collection method: clinical testing. Allele origin: germline.

NM_032043.3(BRIP1):c.837G>A (p.Arg279=)

Gene: BRIP1 (BRCA1 interacting DNA helicase 1; minus strand). Cytogenetic location: 17q23.2.
Variant type: single nucleotide variant.
Coding change: c.837G>A on transcript NM_032043.3 (MANE Select); coding-DNA position 837, G replaced by A.
Protein change: p.Arg279=; no amino-acid change (arginine 279 retained).
Molecular consequence: synonymous variant.
Genome position (GRCh38, 1-based): chr17:61,808,548, C>T on the plus strand (G>A on the coding strand, the complement: BRIP1 is on the minus strand). VCF-style: chr17-61808548-C-T. GRCh37 (hg19) VCF-style: chr17-59885909-C-T.
Identifiers: ClinVar variation 2105813 (VCV002105813.5), dbSNP rs759584091, ClinGen allele CA501335411.